The following is an entry in ClinVar:

NM_001164508.2(NEB):c.476A>G (p.His159Arg)

Gene: NEB (nebulin; minus strand). Cytogenetic location: 2q23.3.
Variant type: single nucleotide variant.
Coding change: c.476A>G on transcript NM_001164508.2 (MANE Select); coding-DNA position 476, A replaced by G.
Protein change: p.His159Arg; replaces histidine 159 with arginine.
Molecular consequence: missense variant.
Genome position (GRCh38, 1-based): chr2:151,724,888, T>C on the plus strand (A>G on the coding strand, the complement: NEB is on the minus strand). VCF-style: chr2-151724888-T-C. GRCh37 (hg19) VCF-style: chr2-152581402-T-C.
Other names: c.476A>G, p.His159Arg (NM_001164507.2, NM_001271208.2, NM_004543.5); short protein forms H159R.
Identifiers: ClinVar variation 1962012 (VCV001962012.2), dbSNP rs2552279756, ClinGen allele CA348792711.

ClinVar aggregate classification (germline): Uncertain significance (1 of 4 stars; one submission).

Conditions:
Nemaline myopathy 2 (NEM2). Also called: Nemaline myopathy 2, autosomal recessive. Identifiers: MedGen C1850569, MONDO:0009725, OMIM 256030.

Allele frequency attached by ClinVar (database versions not stated): gnomAD exomes 0.00001.
gnomAD v4.1: 5 of 1,613,840 alleles (0.00031%); highest among the groups gnomAD compares: Non-Finnish European, 0.00042%; no homozygotes.

Submission:

Labcorp Genetics (formerly Invitae), Labcorp
Classification: Uncertain significance for Nemaline myopathy 2. Last evaluated: 2022-05-28. Review status: criteria provided, single submitter. Criteria: Invitae Variant Classification Sherloc (09022015). Collection method: clinical testing. Allele origin: germline.
Comment: This sequence change replaces histidine, which is basic and polar, with arginine, which is basic and polar, at codon 159 of the NEB protein (p.His159Arg). This variant is not present in population databases (gnomAD no frequency). This variant has not been reported in the literature in individuals affected with NEB-related conditions. Algorithms developed to predict the effect of missense changes on protein structure and function are either unavailable or do not agree on the potential impact of this missense change (SIFT: "Deleterious"; PolyPhen-2: "Not Available"; Align-GVGD: "Class C0"). In summary, the available evidence is currently insufficient to determine the role of this variant in disease. Therefore, it has been classified as a Variant of Uncertain Significance.